The following is an entry in ClinVar:

NM_001191057.4(PDE1C):c.1759C>A (p.Pro587Thr)

Gene: PDE1C (phosphodiesterase 1C; minus strand). Cytogenetic location: 7p14.3.
Variant type: single nucleotide variant.
Coding change: c.1759C>A on transcript NM_001191057.4 (MANE Select); coding-DNA position 1759, C replaced by A.
Protein change: p.Pro587Thr; replaces proline 587 with threonine.
Molecular consequence: missense variant.
Genome position (GRCh38, 1-based): chr7:31,815,978, G>T on the plus strand (C>A on the coding strand, the complement: PDE1C is on the minus strand). VCF-style: chr7-31815978-G-T. GRCh37 (hg19) VCF-style: chr7-31855592-G-T.
Other names: c.1939C>A, p.Pro647Thr (NM_001322058.2, NM_001191058.4); c.2164C>A, p.Pro722Thr (NM_001322059.2); c.1759C>A, p.Pro587Thr (NM_005020.5, NM_001191056.3, NM_001191059.4 and 3 more transcripts); short protein forms P587T, P647T, P722T.
Identifiers: ClinVar variation 2633422 (VCV002633422.1), dbSNP rs779967856, ClinGen allele CA367168351.

ClinVar aggregate classification (germline): Uncertain significance (1 of 4 stars; one submission).

Conditions:
PDE1C-related disorder. Also called: PDE1C-related condition.

gnomAD v4.1: 1 of 1,613,944 alleles (0.000062%); highest among the groups gnomAD compares: African/African-American, 0.0013%; no homozygotes.

Submission:

PreventionGenetics, part of Exact Sciences
Classification: Uncertain significance for PDE1C-related condition. Last evaluated: 2023-03-23. Review status: criteria provided, single submitter. Criteria: ACMG Guidelines, 2015. Collection method: clinical testing. Allele origin: germline.
Comment: The PDE1C c.1939C>A variant is predicted to result in the amino acid substitution p.Pro647Thr. To our knowledge, this variant has not been reported in the literature or in a large population database, indicating this variant is rare. At this time, the clinical significance of this variant is uncertain due to the absence of conclusive functional and genetic evidence.